The following is an entry in ClinVar:

NM_001303052.2(MYT1L):c.3039C>T (p.Asp1013=)

Gene: MYT1L (myelin transcription factor 1 like; minus strand). Cytogenetic location: 2p25.3.
Variant type: single nucleotide variant.
Coding change: c.3039C>T on transcript NM_001303052.2 (MANE Select); coding-DNA position 3039, C replaced by T.
Protein change: p.Asp1013=; no amino-acid change (aspartic acid 1013 retained).
Molecular consequence: synonymous variant.
Genome position (GRCh38, 1-based): chr2:1,839,190, G>A on the plus strand (C>T on the coding strand, the complement: MYT1L is on the minus strand). VCF-style: chr2-1839190-G-A. GRCh37 (hg19) VCF-style: chr2-1842962-G-A.
Other names: c.3039C>T, p.Asp1013= (NM_001329844.2, NM_001329845.1, NM_001329851.3); c.3033C>T, p.Asp1011= (NM_001329846.3, NM_001329847.2, NM_001329848.1 and 3 more transcripts).
Identifiers: ClinVar variation 1242172 (VCV001242172.28), dbSNP rs371203153, ClinGen allele CA1513901.

ClinVar aggregate classification (germline): Benign/Likely benign. Review status: criteria provided, multiple submitters, no conflicts (2 of 4 stars). 3 submissions from 3 submitters: Benign (1); Likely benign (2). Last evaluated 2026-03-01.

Allele frequency attached by ClinVar (database versions not stated): ESP Exome Variant Server 0.00008; ExAC 0.00015; gnomAD exomes 0.00015 and 0.00031; TOPMed 0.00023; gnomAD 0.00025 and 0.00029.
gnomAD v4.1: 482 of 1,613,398 alleles (0.03%); highest among the groups gnomAD compares: Non-Finnish European, 0.038%; no homozygotes.

Submissions (3):

CeGaT Center for Human Genetics Tuebingen
Classification: Likely benign. Last evaluated: 2026-03-01. Review status: criteria provided, single submitter. Criteria: CeGaT Center For Human Genetics Tuebingen Variant Classification Criteria Version 2. Collection method: clinical testing. Allele origin: germline. Affected: yes. Observed: 6 variant alleles.
Comment: MYT1L: BP4, BP7

Laboratory of Genetics, Children's Clinical University Hospital Latvia
Classification: Likely benign. Last evaluated: 2025-02-16. Review status: criteria provided, single submitter. Criteria: ACMG Guidelines, 2015. Collection method: clinical testing. Allele origin: germline. Affected: yes.

GeneDx
Classification: Benign. Last evaluated: 2019-04-24. Review status: criteria provided, single submitter. Criteria: GeneDx Variant Classification Process June 2021. Collection method: clinical testing. Allele origin: germline. Affected: yes.